The following is an entry in ClinVar:

ClinVar aggregate classification (germline): Uncertain significance (1 of 4 stars; one submission).

Conditions:
Generalized epilepsy with febrile seizures plus, type 7 (GEFSP7). Also called: GEFS+, TYPE 7. Identifiers: Orphanet 36387, MedGen C2751778, MONDO:0013470, OMIM 613863.
Neuropathy, hereditary sensory and autonomic, type 2A (HSAN2A). Also called: HSAN IIA; ACROOSTEOLYSIS, GIACCAI TYPE; ACROOSTEOLYSIS, NEUROGENIC; MORVAN DISEASE; NEUROPATHY, CONGENITAL SENSORY; NEUROPATHY, HEREDITARY SENSORY RADICULAR, AUTOSOMAL RECESSIVE. Identifiers: Orphanet 970, MedGen C2752089, MONDO:0024309, OMIM 201300.

Allele frequency attached by ClinVar (database versions not stated): gnomAD exomes 0.00001.

Submission:

Labcorp Genetics (formerly Invitae), Labcorp
Classification: Uncertain significance for Neuropathy, hereditary sensory and autonomic, type 2A; Generalized epilepsy with febrile seizures plus, type 7. Last evaluated: 2021-12-11. Review status: criteria provided, single submitter. Criteria: Invitae Variant Classification Sherloc (09022015). Collection method: clinical testing. Allele origin: germline.
Comment: This variant is not present in population databases (gnomAD no frequency). In summary, the available evidence is currently insufficient to determine the role of this variant in disease. Therefore, it has been classified as a Variant of Uncertain Significance. Algorithms developed to predict the effect of missense changes on protein structure and function output the following: SIFT: "Tolerated"; PolyPhen-2: "Benign"; Align-GVGD: "Class C0". The glutamic acid amino acid residue is found in multiple mammalian species, which suggests that this missense change does not adversely affect protein function. This variant has not been reported in the literature in individuals affected with SCN9A-related conditions. This sequence change replaces glycine, which is neutral and non-polar, with glutamic acid, which is acidic and polar, at codon 1127 of the SCN9A protein (p.Gly1127Glu).

NM_001365536.1(SCN9A):c.3413G>A (p.Gly1138Glu)

Genes: SCN1A-AS1 (SCN1A and SCN9A antisense RNA 1; plus strand), SCN9A (sodium voltage-gated channel alpha subunit 9; minus strand). Cytogenetic location: 2q24.3.
Variant type: single nucleotide variant.
Coding change: c.3413G>A on transcript NM_001365536.1 (MANE Select); coding-DNA position 3413, G replaced by A.
Protein change: p.Gly1138Glu; replaces glycine 1138 with glutamic acid.
Molecular consequence: missense variant. On other transcripts: non-coding transcript variant (1).
Genome position (GRCh38, 1-based): chr2:166,251,824, C>T on the plus strand (G>A on the coding strand, the complement: SCN9A is on the minus strand). VCF-style: chr2-166251824-C-T. GRCh37 (hg19) VCF-style: chr2-167108334-C-T.
Other names: c.3380G>A, p.Gly1127Glu (NM_002977.4); short protein forms G1127E, G1138E.
Identifiers: ClinVar variation 2012959 (VCV002012959.4), dbSNP rs2467904267, ClinGen allele CA349071975.
Genomic context (GRCh38, chr2:166,251,824, plus strand): 5'-CCATCTGTGAAACAGGCCTCTGGCTCATCGGAATTCATAGGTTCAGCCTCTGCTTCTTCT[C>T]CTTCTCCAGGCAAAGGGTTATCAACTGTGCTGCACTCTGAGGAGCTTGACCGGTTTAATC-3'
Protein context (NP_001352465.1, residues 1128-1148): STVDNPLPGE[Gly1138Glu]EEAEAEPMNS